The following is an entry in ClinVar:

ClinVar aggregate classification (germline): Uncertain significance (1 of 4 stars; one submission).

Conditions:
Multiple congenital anomalies-hypotonia-seizures syndrome 2 (MCAHS2). Also called: GLYCOSYLPHOSPHATIDYLINOSITOL BIOSYNTHESIS DEFECT 4; EPILEPTIC ENCEPHALOPATHY, EARLY INFANTILE, 20. Identifiers: Orphanet 300496, MedGen C3275508, MONDO:0010466, OMIM 300868.

Submission:

Labcorp Genetics (formerly Invitae), Labcorp
Classification: Uncertain significance for Multiple congenital anomalies-hypotonia-seizures syndrome 2. Last evaluated: 2025-09-24. Review status: criteria provided, single submitter. Criteria: Invitae Variant Classification Sherloc (09022015). Collection method: clinical testing. Allele origin: germline.
Comment: This sequence change replaces asparagine, which is neutral and polar, with serine, which is neutral and polar, at codon 477 of the PIGA protein (p.Asn477Ser). This variant is not present in population databases (gnomAD no frequency). This variant has not been reported in the literature in individuals affected with PIGA-related conditions. Invitae Evidence Modeling of protein sequence and biophysical properties (such as structural, functional, and spatial information, amino acid conservation, physicochemical variation, residue mobility, and thermodynamic stability) has been performed for this missense variant. However, the output from this modeling did not meet the statistical confidence thresholds required to predict the impact of this variant on PIGA protein function. In summary, the available evidence is currently insufficient to determine the role of this variant in disease. Therefore, it has been classified as a Variant of Uncertain Significance.

NM_002641.4(PIGA):c.1430A>G (p.Asn477Ser)

Gene: PIGA (phosphatidylinositol glycan anchor biosynthesis class A; minus strand). Cytogenetic location: Xp22.2.
Variant type: single nucleotide variant.
Coding change: c.1430A>G on transcript NM_002641.4 (MANE Select); coding-DNA position 1430, A replaced by G.
Protein change: p.Asn477Ser; replaces asparagine 477 with serine.
Molecular consequence: missense variant. On other transcripts: non-coding transcript variant (4).
Genome position (GRCh38, 1-based): chrX:15,321,531, T>C on the plus strand (A>G on the coding strand, the complement: PIGA is on the minus strand). VCF-style: chrX-15321531-T-C. GRCh37 (hg19) VCF-style: chrX-15339653-T-C.
Other names: c.1523A>G, p.Asn508Ser (NM_001440789.1); c.821A>G, p.Asn274Ser (NM_001440790.1); c.728A>G, p.Asn243Ser (NM_020473.3); short protein forms N243S, N274S, N477S, N508S.
Identifiers: ClinVar variation 4800926 (VCV004800926.1).